The following is an entry in ClinVar:

NM_001081.4(CUBN):c.2093C>T (p.Thr698Ile)

Gene: CUBN (cubilin; minus strand). Cytogenetic location: 10p13.
Variant type: single nucleotide variant.
Coding change: c.2093C>T on transcript NM_001081.4 (MANE Select); coding-DNA position 2093, C replaced by T.
Protein change: p.Thr698Ile; replaces threonine 698 with isoleucine.
Molecular consequence: missense variant.
Genome position (GRCh38, 1-based): chr10:17,085,614, G>A on the plus strand (C>T on the coding strand, the complement: CUBN is on the minus strand). VCF-style: chr10-17085614-G-A. GRCh37 (hg19) VCF-style: chr10-17127613-G-A.
Other names: short protein forms T698I.
Identifiers: ClinVar variation 2269003 (VCV002269003.3), dbSNP rs1477833751, ClinGen allele CA376149344.

ClinVar aggregate classification (germline): Uncertain significance. Review status: criteria provided, multiple submitters, no conflicts (2 of 4 stars). 2 submissions from 2 submitters: Uncertain significance (2). Last evaluated 2025-08-16.

Conditions:
CUBN-related disorder. Also called: CUBN-related condition.
Inborn genetic diseases. Identifiers: MedGen C0950123, MeSH D030342.

Allele frequency attached by ClinVar (database versions not stated): gnomAD 0.00001; TOPMed 0.00002.
gnomAD v4.1: 5 of 1,614,048 alleles (0.00031%); highest among the groups gnomAD compares: African/African-American, 0.0027%; no homozygotes.

Submissions (2):

PreventionGenetics, part of Exact Sciences
Classification: Uncertain significance for CUBN-related condition. Last evaluated: 2025-08-16. Review status: criteria provided, single submitter. Criteria: ACMG Guidelines, 2015. Collection method: clinical testing. Allele origin: germline.
Comment: The CUBN c.2093C>T variant is predicted to result in the amino acid substitution p.Thr698Ile. To our knowledge, this variant has not been reported in the literature or in a large population database (gnomAD), indicating this variant is rare. At this time, the clinical significance of this variant is uncertain due to the absence of conclusive functional and genetic evidence.

Ambry Genetics
Classification: Uncertain significance for Inborn genetic diseases. Last evaluated: 2022-01-03. Review status: criteria provided, single submitter. Criteria: Ambry Variant Classification Scheme 2023. Collection method: clinical testing. Allele origin: germline.